The following is an entry in ClinVar:

NM_001042492.3(NF1):c.4237T>C (p.Phe1413Leu)

Gene: NF1 (neurofibromin 1; plus strand). Cytogenetic location: 17q11.2.
Variant type: single nucleotide variant.
Coding change: c.4237T>C on transcript NM_001042492.3 (MANE Select); coding-DNA position 4237, T replaced by C.
Protein change: p.Phe1413Leu; replaces phenylalanine 1413 with leucine.
Molecular consequence: missense variant.
Genome position (GRCh38, 1-based): chr17:31,258,407, T>C. VCF-style: chr17-31258407-T-C. GRCh37 (hg19) VCF-style: chr17-29585425-T-C.
Other names: c.4174T>C, p.Phe1392Leu (NM_000267.4); short protein forms F1392L, F1413L.
Identifiers: ClinVar variation 852824 (VCV000852824.9), dbSNP rs1190777334, ClinGen allele CA398997847.
Genomic context (GRCh38, chr17:31,258,407, plus strand): 5'-GTTAGCCAGCGTTTCCCTCAGAACAGCATCGGTGCAGTAGGAAGTGCCATGTTCCTCAGA[T>C]TTATCAATCCTGCCATTGTCTCACCGTATGAAGCAGGGATTTTAGATAAAAAGCCACCAC-3'
Protein context (NP_001035957.1, residues 1403-1423): GAVGSAMFLR[Phe1413Leu]INPAIVSPYE

ClinVar aggregate classification (germline): Uncertain significance. Review status: criteria provided, multiple submitters, no conflicts (2 of 4 stars). 2 submissions from 2 submitters: Uncertain significance (2). Last evaluated 2025-08-07.

Conditions:
Neurofibromatosis, type 1 (NF1). Also called: Neurofibromatosis, type I; VON RECKLINGHAUSEN DISEASE; Peripheral type neurofibromatosis; NEUROFIBROMATOSIS, TYPE I, SOMATIC. Identifiers: Orphanet 636, MedGen C0027831, MONDO:0018975, OMIM 162200. Disease mechanism: loss of function.
Cardiovascular phenotype. Identifiers: MedGen CN230736.
Hereditary cancer-predisposing syndrome. Also called: Neoplastic Syndromes, Hereditary; Hereditary Cancer Syndrome; Hereditary neoplastic syndrome; Tumor predisposition. Identifiers: Orphanet 140162, MedGen C0027672, MeSH D009386, MONDO:0015356.

Submissions (2):

Labcorp Genetics (formerly Invitae), Labcorp
Classification: Uncertain significance for Neurofibromatosis, type 1. Last evaluated: 2025-08-07. Review status: criteria provided, single submitter. Criteria: Invitae Variant Classification Sherloc (09022015). Collection method: clinical testing. Allele origin: germline.
Comment: This sequence change replaces phenylalanine, which is neutral and non-polar, with leucine, which is neutral and non-polar, at codon 1392 of the NF1 protein (p.Phe1392Leu). This variant is not present in population databases (gnomAD no frequency). This variant has not been reported in the literature in individuals affected with NF1-related conditions. ClinVar contains an entry for this variant (Variation ID: 852824). Invitae Evidence Modeling of protein sequence and biophysical properties (such as structural, functional, and spatial information, amino acid conservation, physicochemical variation, residue mobility, and thermodynamic stability) indicates that this missense variant is expected to disrupt NF1 protein function with a positive predictive value of 95%. In summary, the available evidence is currently insufficient to determine the role of this variant in disease. Therefore, it has been classified as a Variant of Uncertain Significance.

Ambry Genetics
Classification: Uncertain significance for Cardiovascular phenotype; Hereditary cancer-predisposing syndrome. Last evaluated: 2022-02-02. Review status: criteria provided, single submitter. Criteria: Ambry Variant Classification Scheme 2023. Collection method: clinical testing. Allele origin: germline.
Comment: The p.F1392L variant (also known as c.4174T>C), located in coding exon 31 of the NF1 gene, results from a T to C substitution at nucleotide position 4174. The phenylalanine at codon 1392 is replaced by leucine, an amino acid with highly similar properties. This amino acid position is conserved. In addition, this alteration is predicted to be deleterious by in silico analysis. Since supporting evidence is limited at this time, the clinical significance of this alteration remains unclear.